The following is an entry in ClinVar:

NM_014141.6(CNTNAP2):c.1479C>T (p.Gly493=)

Gene: CNTNAP2 (contactin associated protein 2; plus strand). Cytogenetic location: 7q35.
Variant type: single nucleotide variant.
Coding change: c.1479C>T on transcript NM_014141.6 (MANE Select); coding-DNA position 1479, C replaced by T.
Protein change: p.Gly493=; no amino-acid change (glycine 493 retained).
Molecular consequence: synonymous variant.
Genome position (GRCh38, 1-based): chr7:147,300,271, C>T. VCF-style: chr7-147300271-C-T. GRCh37 (hg19) VCF-style: chr7-146997363-C-T.
Identifiers: ClinVar variation 1040252 (VCV001040252.11), dbSNP rs779384498, ClinGen allele CA4546067.

ClinVar aggregate classification (germline): Conflicting classifications of pathogenicity. Review status: criteria provided, conflicting classifications (1 of 4 stars). 3 submissions from 3 submitters: Uncertain significance (1); Likely benign (2). Last evaluated 2025-06-15.

Conditions:
Inborn genetic diseases. Identifiers: MedGen C0950123, MeSH D030342.
Cortical dysplasia-focal epilepsy syndrome (PTHSL1). Also called: Pitt-Hopkins-like syndrome 1. Identifiers: Orphanet 163681, Orphanet 221150, MedGen C2750246, MONDO:0012400, OMIM 610042.

Allele frequency attached by ClinVar (database versions not stated): gnomAD 0.00002; TOPMed 0.00002; gnomAD exomes 0.00003 and 0.00004; ExAC 0.00005.
gnomAD v4.1: 51 of 1,613,538 alleles (0.0032%); highest among the groups gnomAD compares: South Asian, 0.027%; no homozygotes.

Submissions (4):

Labcorp Genetics (formerly Invitae), Labcorp
Classification: Likely benign for Cortical dysplasia-focal epilepsy syndrome. Last evaluated: 2025-06-15. Review status: criteria provided, single submitter. Criteria: Invitae Variant Classification Sherloc (09022015). Collection method: clinical testing. Allele origin: germline.

GeneDx
Classification: Uncertain significance. Last evaluated: 2021-11-05. Review status: criteria provided, single submitter. Criteria: GeneDx Variant Classification Process June 2021. Collection method: clinical testing. Allele origin: germline. Affected: yes.
Comment: In silico analysis supports a deleterious effect on splicing; Has not been previously published as pathogenic or benign to our knowledge

Ambry Genetics
Classification: Likely benign for Inborn genetic diseases. Last evaluated: 2017-12-26. Review status: criteria provided, single submitter. Criteria: Ambry Variant Classification Scheme 2023. Collection method: clinical testing. Allele origin: germline.

Dr. Peter K. Rogan Lab, Western University
No classification provided (evidence only). Condition: Lung cancer. Review status: no classification provided. Collection method: in vitro. Allele origin: not applicable. Functional consequence: retained intron. Not counted in ClinVar's aggregate classification.